The following is an entry in ClinVar:

NM_001012301.4(ARSI):c.1376G>C (p.Arg459Pro)

Gene: ARSI (arylsulfatase family member I; minus strand). Cytogenetic location: 5q32.
Variant type: single nucleotide variant.
Coding change: c.1376G>C on transcript NM_001012301.4 (MANE Select); coding-DNA position 1376, G replaced by C.
Protein change: p.Arg459Pro; replaces arginine 459 with proline.
Molecular consequence: missense variant.
Genome position (GRCh38, 1-based): chr5:150,297,548, C>G on the plus strand (G>C on the coding strand, the complement: ARSI is on the minus strand). VCF-style: chr5-150297548-C-G. GRCh37 (hg19) VCF-style: chr5-149677111-C-G.
Other names: short protein forms R459P.
Identifiers: ClinVar variation 1442475 (VCV001442475.8), dbSNP rs140478189, ClinGen allele CA3510096.

ClinVar aggregate classification (germline): Uncertain significance (1 of 4 stars; one submission).

Conditions:
Spastic paraplegia. Identifiers: MedGen C0037772, HP:0001258.

Submission:

Labcorp Genetics (formerly Invitae), Labcorp
Classification: Uncertain significance for Spastic paraplegia. Last evaluated: 2021-06-16. Review status: criteria provided, single submitter. Criteria: Invitae Variant Classification Sherloc (09022015). Collection method: clinical testing. Allele origin: germline.
Comment: This sequence change replaces arginine with proline at codon 459 of the ARSI protein (p.Arg459Pro). The arginine residue is moderately conserved and there is a moderate physicochemical difference between arginine and proline. This variant is present in population databases (rs140478189, ExAC 0.002%). This variant has not been reported in the literature in individuals with ARSI-related conditions. Algorithms developed to predict the effect of missense changes on protein structure and function (SIFT, PolyPhen-2, Align-GVGD) all suggest that this variant is likely to be tolerated, but these predictions have not been confirmed by published functional studies and their clinical significance is uncertain. In summary, the available evidence is currently insufficient to determine the role of this variant in disease. Therefore, it has been classified as a Variant of Uncertain Significance.